The following is an entry in ClinVar:

ClinVar aggregate classification (germline): Uncertain significance. Review status: criteria provided, multiple submitters, no conflicts (2 of 4 stars). 5 submissions from 5 submitters: Uncertain significance (3). 2 of the submissions do not count toward it. Last evaluated 2025-03-26.

Conditions:
Inborn genetic diseases. Identifiers: MedGen C0950123, MeSH D030342.
Aicardi-Goutieres syndrome 4. Identifiers: Orphanet 51, MedGen C1835912, MONDO:0012472, OMIM 610333.

Allele frequency attached by ClinVar (database versions not stated): ExAC 0.00002; gnomAD exomes 0.00006 and 0.00009.
gnomAD v4.1: 139 of 1,614,056 alleles (0.0086%); highest among the groups gnomAD compares: Non-Finnish European, 0.011%; no homozygotes.

Submissions (5):

Ambry Genetics
Classification: Uncertain significance for Inborn genetic diseases. Last evaluated: 2025-03-26. Review status: criteria provided, single submitter. Criteria: Ambry Variant Classification Scheme 2023. Collection method: clinical testing. Allele origin: germline.

Labcorp Genetics (formerly Invitae), Labcorp
Classification: Uncertain significance for Aicardi-Goutieres syndrome 4. Last evaluated: 2024-11-11. Review status: criteria provided, single submitter. Criteria: Invitae Variant Classification Sherloc (09022015). Collection method: clinical testing. Allele origin: germline.
Comment: This sequence change replaces proline, which is neutral and non-polar, with alanine, which is neutral and non-polar, at codon 98 of the RNASEH2A protein (p.Pro98Ala). This variant is present in population databases (rs767046465, gnomAD 0.01%). This variant has not been reported in the literature in individuals affected with RNASEH2A-related conditions. ClinVar contains an entry for this variant (Variation ID: 1175068). Invitae Evidence Modeling of protein sequence and biophysical properties (such as structural, functional, and spatial information, amino acid conservation, physicochemical variation, residue mobility, and thermodynamic stability) indicates that this missense variant is not expected to disrupt RNASEH2A protein function with a negative predictive value of 80%. In summary, the available evidence is currently insufficient to determine the role of this variant in disease. Therefore, it has been classified as a Variant of Uncertain Significance.

Fulgent Genetics
Classification: Uncertain significance for Aicardi-Goutieres syndrome 4. Last evaluated: 2022-04-29. Review status: criteria provided, single submitter. Criteria: ACMG Guidelines, 2015. Collection method: clinical testing. Allele origin: unknown.

Diagnostic Laboratory, Department of Genetics, University Medical Center Groningen
Classification: Uncertain significance. Review status: no assertion criteria provided. Collection method: clinical testing. Allele origin: germline. Affected: yes. Study: VKGL Data-share Consensus. Not counted in ClinVar's aggregate classification.

Laboratory of Diagnostic Genome Analysis, Leiden University Medical Center (LUMC)
Classification: Uncertain significance. Review status: no assertion criteria provided. Collection method: clinical testing. Allele origin: germline. Affected: yes. Study: VKGL Data-share Consensus. Not counted in ClinVar's aggregate classification.

NM_006397.3(RNASEH2A):c.292C>G (p.Pro98Ala)

Gene: RNASEH2A (ribonuclease H2 subunit A; plus strand). Cytogenetic location: 19p13.13.
Variant type: single nucleotide variant.
Coding change: c.292C>G on transcript NM_006397.3 (MANE Select); coding-DNA position 292, C replaced by G.
Protein change: p.Pro98Ala; replaces proline 98 with alanine.
Molecular consequence: missense variant.
Genome position (GRCh38, 1-based): chr19:12,807,298, C>G. VCF-style: chr19-12807298-C-G. GRCh37 (hg19) VCF-style: chr19-12918112-C-G.
Other names: c.292C>G (NM_006397.2); short protein forms P98A.
Identifiers: ClinVar variation 1175068 (VCV001175068.11), dbSNP rs767046465, ClinGen allele CA9231818.